The following is an entry in ClinVar:

ClinVar aggregate classification (germline): Uncertain significance (1 of 4 stars; one submission).

Submission:

Labcorp Genetics (formerly Invitae), Labcorp
Classification: Uncertain significance. Last evaluated: 2025-01-20. Review status: criteria provided, single submitter. Criteria: Invitae Variant Classification Sherloc (09022015). Collection method: clinical testing. Allele origin: germline.
Comment: This sequence change replaces glutamic acid, which is acidic and polar, with glycine, which is neutral and non-polar, at codon 326 of the DHX32 protein (p.Glu326Gly). This variant is not present in population databases (gnomAD no frequency). This variant has not been reported in the literature in individuals affected with DHX32-related conditions. An algorithm developed to predict the effect of missense changes on protein structure and function (PolyPhen-2) suggests that this variant is likely to be tolerated. In summary, the available evidence is currently insufficient to determine the role of this variant in disease. Therefore, it has been classified as a Variant of Uncertain Significance.

NM_018180.3(DHX32):c.977A>G (p.Glu326Gly)

Gene: DHX32 (DEAH-box helicase 32 (putative); minus strand). Cytogenetic location: 10q26.2.
Variant type: single nucleotide variant.
Coding change: c.977A>G on transcript NM_018180.3 (MANE Select); coding-DNA position 977, A replaced by G.
Protein change: p.Glu326Gly; replaces glutamic acid 326 with glycine.
Molecular consequence: missense variant.
Genome position (GRCh38, 1-based): chr10:125,854,076, T>C on the plus strand (A>G on the coding strand, the complement: DHX32 is on the minus strand). VCF-style: chr10-125854076-T-C. GRCh37 (hg19) VCF-style: chr10-127542645-T-C.
Other names: short protein forms E326G.
Identifiers: ClinVar variation 3690483 (VCV003690483.2).